The following is an entry in ClinVar:

NM_020320.5(RARS2):c.1629_1630del (p.Asp543fs)

Gene: RARS2 (arginyl-tRNA synthetase 2, mitochondrial; minus strand). Cytogenetic location: 6q15.
Variant type: Deletion.
Coding change: c.1629_1630del on transcript NM_020320.5 (MANE Select); coding-DNA positions 1629 to 1630, 2 bases deleted (TA; older notation c.1629_1630delTA).
Protein change: p.Asp543fs; shifts the reading frame from aspartic acid 543.
Molecular consequence: frameshift variant. On other transcripts: non-coding transcript variant (23).
Genome position (GRCh38, 1-based): chr6:87,514,977-87,514,978, TA deleted on the plus strand (TA on the coding strand, the reverse complement: RARS2 is on the minus strand); deleting any 2 consecutive bases within chr6:87,514,977-87,514,979 gives the same sequence; the c. name uses the placement nearest the transcript's 3' end. VCF-style (leftmost placement, unchanged base first): chr6-87514976-CTA-C. GRCh37 (hg19) VCF-style: chr6-88224694-CTA-C.
Other names: c.1629_1630del, p.Asp543fs (NM_001350505.2); c.1104_1105del, p.Asp368fs (NM_001318785.2, NM_001350506.2, NM_001350507.2 and 4 more transcripts); c.1629_1630delTA (NM_020320.4); short protein forms D368fs, D543fs.
Identifiers: ClinVar variation 2678240 (VCV002678240.3), dbSNP rs1308650932, ClinGen allele CA829271374.

ClinVar aggregate classification (germline): Likely pathogenic. Review status: criteria provided, multiple submitters, no conflicts (2 of 4 stars). 3 submissions from 3 submitters: Likely pathogenic (3). Last evaluated 2025-11-03.

Conditions:
Pontocerebellar hypoplasia type 6 (PCH6). Identifiers: Orphanet 166073, MedGen C1969084, MONDO:0012683, OMIM 611523.

Submissions (3):

Natera, Inc.
Classification: Likely pathogenic for Pontocerebellar hypoplasia, type 6. Last evaluated: 2025-11-03. Review status: criteria provided, single submitter. Criteria: Natera Variant Classification Schema (03/2026). Collection method: clinical testing. Allele origin: germline.
Comment: The c.1629_1630delTA variant in RARS2 is a frameshift variant predicted to shift the reading frame beginning at codon 543 and leads to a stop codon 4 codons downstream. This variant is expected to result in nonsense mediated decay, truncation, or a dysfunctional protein product. This variant is rare in the general population with a frequency below the threshold expected for the associated phenotype(s). Given the available evidence, this variant is classified as Likely Pathogenic.

Fulgent Genetics
Classification: Likely pathogenic for Pontocerebellar hypoplasia type 6. Last evaluated: 2024-04-30. Review status: criteria provided, single submitter. Criteria: ACMG Guidelines, 2015. Collection method: clinical testing. Allele origin: germline.

Baylor Genetics
Classification: Likely pathogenic for Pontocerebellar hypoplasia type 6. Last evaluated: 2023-10-17. Review status: criteria provided, single submitter. Criteria: ACMG Guidelines, 2015. Collection method: clinical testing. Allele origin: unknown.